The following is an entry in ClinVar:

ClinVar aggregate classification (germline): Uncertain significance (1 of 4 stars; one submission).

Allele frequency attached by ClinVar (database versions not stated): gnomAD exomes below 0.00001; gnomAD 0.00001 and 0.00002; TOPMed 0.00002.
gnomAD v4.1: 3 of 1,614,060 alleles (0.00019%); highest among the groups gnomAD compares: African/African-American, 0.004%; no homozygotes.

Submission:

GeneDx
Classification: Uncertain significance. Last evaluated: 2020-10-27. Review status: criteria provided, single submitter. Criteria: GeneDx Variant Classification Process June 2021. Collection method: clinical testing. Allele origin: germline. Affected: yes.
Comment: Not observed in large population cohorts (Lek et al., 2016); In silico analysis supports that this missense variant does not alter protein structure/function; Has not been previously published as pathogenic or benign to our knowledge

NM_203447.4(DOCK8):c.5250G>T (p.Glu1750Asp)

Gene: DOCK8 (dedicator of cytokinesis 8; plus strand). Cytogenetic location: 9p24.3.
Variant type: single nucleotide variant.
Coding change: c.5250G>T on transcript NM_203447.4 (MANE Select); coding-DNA position 5250, G replaced by T.
Protein change: p.Glu1750Asp; replaces glutamic acid 1750 with aspartic acid.
Molecular consequence: missense variant.
Genome position (GRCh38, 1-based): chr9:441,312, G>T. VCF-style: chr9-441312-G-T. GRCh37 (hg19) VCF-style: chr9-441312-G-T.
Other names: c.4950G>T, p.Glu1650Asp (NM_001190458.2); c.5046G>T, p.Glu1682Asp (NM_001193536.2); short protein forms E1650D, E1682D, E1750D.
Identifiers: ClinVar variation 1313490 (VCV001313490.2), dbSNP rs1329426200, ClinGen allele CA372767991.
Genomic context (GRCh38, chr9:441,312, plus strand): 5'-AAATTCTCTCTGATGCTCTTCTCCTCTTTCCAAGGGAGGCTTATATGAGACAGTTAATGA[G>T]GTCTACAAGCTGGTCATCCCCATCCTAGAAGCGCATCGAGAATTCCGGAAGCTGACACTC-3'
Protein context (NP_982272.2, residues 1740-1760): STGGLYETVN[Glu1750Asp]VYKLVIPILE